The following is an entry in ClinVar:

NM_182961.4(SYNE1):c.7350+152C>T

Gene: SYNE1 (spectrin repeat containing nuclear envelope protein 1; minus strand). Cytogenetic location: 6q25.2.
Variant type: single nucleotide variant.
Coding change: c.7350+152C>T on transcript NM_182961.4 (MANE Select); 152 bases into the intron after coding-DNA position 7350, C replaced by T.
Molecular consequence: intron variant.
Genome position (GRCh38, 1-based): chr6:152,398,467, G>A on the plus strand (C>T on the coding strand, the complement: SYNE1 is on the minus strand). VCF-style: chr6-152398467-G-A. GRCh37 (hg19) VCF-style: chr6-152719602-G-A.
Other names: c.7371+152C>T (NM_033071.5).
Identifiers: ClinVar variation 670666 (VCV000670666.1), dbSNP rs488673, ClinGen allele CA12338501.

ClinVar aggregate classification (germline): Benign (1 of 4 stars; one submission).

Allele frequency attached by ClinVar (database versions not stated): gnomAD 0.38370 and 0.39261; TOPMed 0.38584; gnomAD exomes 0.40897; 1000 Genomes Project 30x 0.46034; 1000 Genomes Project 0.46506.
gnomAD v4.1: 282,285 of 696,876 alleles (41%); highest among the groups gnomAD compares: East Asian, 77%; 61,091 homozygotes.

Submission:

GeneDx
Classification: Benign. Last evaluated: 2018-06-14. Review status: criteria provided, single submitter. Criteria: GeneDx Variant Classification (06012015). Collection method: clinical testing. Allele origin: germline. Affected: yes.
Comment: This variant is considered likely benign or benign based on one or more of the following criteria: it is a conservative change, it occurs at a poorly conserved position in the protein, it is predicted to be benign by multiple in silico algorithms, and/or has population frequency not consistent with disease.